The following is an entry in ClinVar:

NM_015047.3(EMC1):c.2371G>T (p.Val791Leu)

Genes: EMC1 (ER membrane protein complex subunit 1; minus strand), EMC1-AS1 (EMC1 antisense RNA 1; plus strand). Cytogenetic location: 1p36.13.
Variant type: single nucleotide variant.
Coding change: c.2371G>T on transcript NM_015047.3 (MANE Select); coding-DNA position 2371, G replaced by T.
Protein change: p.Val791Leu; replaces valine 791 with leucine.
Molecular consequence: missense variant.
Genome position (GRCh38, 1-based): chr1:19,223,401, C>A on the plus strand (G>T on the coding strand, the complement: EMC1 is on the minus strand). VCF-style: chr1-19223401-C-A. GRCh37 (hg19) VCF-style: chr1-19549895-C-A.
Other names: c.2368G>T, p.Val790Leu (NM_001271427.2, NM_001271428.2); c.2305G>T, p.Val769Leu (NM_001271429.2); c.2380G>T, p.Val794Leu (NM_001375820.1); c.2377G>T, p.Val793Leu (NM_001375821.1); short protein forms V791L, V793L, V794L, V769L, V790L.
Identifiers: ClinVar variation 3656973 (VCV003656973.2).
Genomic context (GRCh38, chr1:19,223,401, plus strand): 5'-CAGGAGGCAGGGAGACCTCTGGAGCTACCTTGGGTCCCTGGTAGTGACCGCTTACCACCA[C>A]CCAGTTCTCTGAATGCACGATATGGACAGGGCCTTTGGCTTTCTTCTGCACAGAGGAGTG-3'
Protein context (NP_055862.1, residues 781-801): PVHIVHSENW[Val791Leu]VYQYWNTKAR

ClinVar aggregate classification (germline): Uncertain significance (1 of 4 stars; one submission).

gnomAD v4.1: 1 of 1,613,984 alleles (0.000062%); highest among the groups gnomAD compares: Admixed American, 0.0017%; no homozygotes.

Submission:

Labcorp Genetics (formerly Invitae), Labcorp
Classification: Uncertain significance. Last evaluated: 2024-06-19. Review status: criteria provided, single submitter. Criteria: Invitae Variant Classification Sherloc (09022015). Collection method: clinical testing. Allele origin: germline.
Comment: This sequence change replaces valine, which is neutral and non-polar, with leucine, which is neutral and non-polar, at codon 791 of the EMC1 protein (p.Val791Leu). This variant is present in population databases (no rsID available, gnomAD 0.003%). This variant has not been reported in the literature in individuals affected with EMC1-related conditions. Advanced modeling of protein sequence and biophysical properties (such as structural, functional, and spatial information, amino acid conservation, physicochemical variation, residue mobility, and thermodynamic stability) performed at Invitae indicates that this missense variant is not expected to disrupt EMC1 protein function with a negative predictive value of 80%. Algorithms developed to predict the effect of sequence changes on RNA splicing suggest that this variant may create or strengthen a splice site. In summary, the available evidence is currently insufficient to determine the role of this variant in disease. Therefore, it has been classified as a Variant of Uncertain Significance.